The following is an entry in ClinVar:

NM_000044.6(AR):c.1707del (p.Cys570fs)

Gene: AR (androgen receptor; plus strand). Cytogenetic location: Xq12.
Variant type: Deletion.
Coding change: c.1707del on transcript NM_000044.6 (MANE Select); coding-DNA position 1707, one base deleted (G; older notation c.1707delG).
Protein change: p.Cys570fs; shifts the reading frame from cysteine 570.
Molecular consequence: frameshift variant. On other transcripts: intron variant (1).
Genome position (GRCh38, 1-based): chrX:67,643,346, G deleted; the last of 3 consecutive G bases (chrX:67,643,344-67,643,346); deleting any one gives the same sequence. VCF-style (leftmost placement, unchanged base first): chrX-67643343-TG-T. GRCh37 (hg19) VCF-style: chrX-66863185-TG-T.
Other names: c.111del, p.Cys38fs (NM_001011645.3); c.1707del, p.Cys570fs (NM_001348061.1, NM_001348063.1); c.1617-42595del (NM_001348064.1); short protein forms C570fs, C38fs.
Identifiers: ClinVar variation 1454419 (VCV001454419.6), dbSNP rs2147436378, ClinGen allele CA2573159025.

ClinVar aggregate classification (germline): Pathogenic (1 of 4 stars; one submission).

Conditions:
Kennedy disease (SMAX1). Also called: SPINAL AND BULBAR MUSCULAR ATROPHY, X-LINKED 1; KENNEDY SPINAL AND BULBAR MUSCULAR ATROPHY; Spinal and Bulbar Muscular Atrophy. Identifiers: Orphanet 481, MedGen C1839259, MONDO:0010735, OMIM 313200.
Androgen resistance syndrome (AIS). Also called: ANDROGEN RECEPTOR DEFICIENCY; DIHYDROTESTOSTERONE RECEPTOR DEFICIENCY; Androgen insensitivity; DHTR DEFICIENCY; TESTICULAR FEMINIZATION SYNDROME; Androgen insensitivity syndrome. Identifiers: Orphanet 754, Orphanet 99429, MedGen C0039585, MONDO:0019154, OMIM 300068. Disease mechanism: loss of function.

Submission:

Labcorp Genetics (formerly Invitae), Labcorp
Classification: Pathogenic for Kennedy disease; Androgen resistance syndrome. Last evaluated: 2021-07-13. Review status: criteria provided, single submitter. Criteria: Invitae Variant Classification Sherloc (09022015). Collection method: clinical testing. Allele origin: germline.
Comment: For these reasons, this variant has been classified as Pathogenic. This variant has not been reported in the literature in individuals affected with AR-related conditions. This variant is not present in population databases (ExAC no frequency). This sequence change creates a premature translational stop signal (p.Cys570Valfs*56) in the AR gene. It is expected to result in an absent or disrupted protein product. Loss-of-function variants in AR are known to be pathogenic (PMID: 19463997).

Literature cited by the submitters: PubMed 19463997.